The following is an entry in ClinVar:

NM_144499.3(GNAT1):c.58A>G (p.Lys20Glu)

Gene: GNAT1 (G protein subunit alpha transducin 1; plus strand). Cytogenetic location: 3p21.31.
Variant type: single nucleotide variant.
Coding change: c.58A>G on transcript NM_144499.3 (MANE Select); coding-DNA position 58, A replaced by G.
Protein change: p.Lys20Glu; replaces lysine 20 with glutamic acid.
Molecular consequence: missense variant.
Genome position (GRCh38, 1-based): chr3:50,191,783, A>G. VCF-style: chr3-50191783-A-G. GRCh37 (hg19) VCF-style: chr3-50229216-A-G.
Other names: c.58A>G, p.Lys20Glu (NM_000172.4); short protein forms K20E.
Identifiers: ClinVar variation 2129687 (VCV002129687.5), dbSNP rs1699414848, ClinGen allele CA352908838.
Genomic context (GRCh38, chr3:50,191,783, plus strand): 5'-ACCATGGGGGCTGGGGCCAGTGCTGAGGAGAAGCACTCCAGGGAGCTGGAAAAGAAGCTG[A>G]AAGAGGACGCTGAGAAGGATGCTCGAACCGTGAAGCTGCTGCTTCTGGGTAGGGGTGTGG-3'
Protein context (NP_653082.1, residues 10-30): KHSRELEKKL[Lys20Glu]EDAEKDARTV

ClinVar aggregate classification (germline): Uncertain significance. Review status: criteria provided, multiple submitters, no conflicts (2 of 4 stars). 2 submissions from 2 submitters: Uncertain significance (2). Last evaluated 2024-02-17.

Allele frequency attached by ClinVar (database versions not stated): gnomAD exomes below 0.00001.
gnomAD v4.1: 2 of 1,614,082 alleles (0.00012%); highest among the groups gnomAD compares: Non-Finnish European, 0.00017%; no homozygotes.

Submissions (2):

Labcorp Genetics (formerly Invitae), Labcorp
Classification: Uncertain significance. Last evaluated: 2024-02-17. Review status: criteria provided, single submitter. Criteria: Invitae Variant Classification Sherloc (09022015). Collection method: clinical testing. Allele origin: germline.
Comment: This sequence change replaces lysine, which is basic and polar, with glutamic acid, which is acidic and polar, at codon 20 of the GNAT1 protein (p.Lys20Glu). This variant is not present in population databases (gnomAD no frequency). This variant has not been reported in the literature in individuals affected with GNAT1-related conditions. ClinVar contains an entry for this variant (Variation ID: 2129687). Advanced modeling of protein sequence and biophysical properties (such as structural, functional, and spatial information, amino acid conservation, physicochemical variation, residue mobility, and thermodynamic stability) performed at Invitae indicates that this missense variant is not expected to disrupt GNAT1 protein function with a negative predictive value of 80%. In summary, the available evidence is currently insufficient to determine the role of this variant in disease. Therefore, it has been classified as a Variant of Uncertain Significance.

Blueprint Genetics
Classification: Uncertain significance. Last evaluated: 2018-02-14. Review status: criteria provided, single submitter. Criteria: ACMG Guidelines, 2015. Collection method: clinical testing. Allele origin: germline.